The following is an entry in ClinVar:

NM_020631.6(PLEKHG5):c.1774A>G (p.Arg592Gly)

Gene: PLEKHG5 (pleckstrin homology and RhoGEF domain containing G5; minus strand). Cytogenetic location: 1p36.31.
Variant type: single nucleotide variant.
Coding change: c.1774A>G on transcript NM_020631.6 (MANE Select); coding-DNA position 1774, A replaced by G.
Protein change: p.Arg592Gly; replaces arginine 592 with glycine.
Molecular consequence: missense variant.
Genome position (GRCh38, 1-based): chr1:6,470,262, T>C on the plus strand (A>G on the coding strand, the complement: PLEKHG5 is on the minus strand). VCF-style: chr1-6470262-T-C. GRCh37 (hg19) VCF-style: chr1-6530322-T-C.
Other names: c.1885A>G, p.Arg629Gly (NM_001042663.3, NM_001265592.2); c.1774A>G, p.Arg592Gly (NM_001042664.2, NM_001042665.2, NM_001265594.3 and 1 more transcripts); c.1981A>G, p.Arg661Gly (NM_001265593.2); short protein forms R592G, R629G, R661G.
Identifiers: ClinVar variation 3768186 (VCV003768186.1).

ClinVar aggregate classification (germline): Uncertain significance (1 of 4 stars; one submission).

Submission:

Women's Health and Genetics/Laboratory Corporation of America, LabCorp
Classification: Uncertain significance. Last evaluated: 2024-12-09. Review status: criteria provided, single submitter. Criteria: LabCorp Variant Classification Summary - May 2015. Collection method: clinical testing. Allele origin: germline.
Comment: Variant summary: PLEKHG5 c.1774A>G (p.Arg592Gly) results in a non-conservative amino acid change in the encoded protein sequence. Three of four in-silico tools predict a damaging effect of the variant on protein function. The variant was absent in 250760 control chromosomes. The available data on variant occurrences in the general population are insufficient to allow any conclusion about variant significance. To our knowledge, no occurrence of c.1774A>G in individuals affected with Distal Spinal Muscular Atrophy, Autosomal Recessive 4 and no experimental evidence demonstrating its impact on protein function have been reported. No submitters have cited clinical-significance assessments for this variant to ClinVar. Based on the evidence outlined above, the variant was classified as uncertain significance.